The following is an entry in ClinVar:

ClinVar aggregate classification (germline): Uncertain significance (1 of 4 stars; one submission).

Submission:

GeneDx
Classification: Uncertain significance. Last evaluated: 2026-04-28. Review status: criteria provided, single submitter. Criteria: GeneDx Variant Classification Process June 2021. Collection method: clinical testing. Allele origin: germline.
Comment: Not observed at significant frequency in large population cohorts (gnomAD); Has not been previously published as pathogenic or benign to our knowledge; In silico analysis is inconclusive as to whether the variant alters gene splicing. In the absence of RNA/functional studies, the actual effect of this sequence change is unknown.

NM_001330288.2(SMARCC2):c.2348-15_2348-11del

Gene: SMARCC2 (SWI/SNF related BAF chromatin remodeling complex subunit C2; minus strand). Cytogenetic location: 12q13.2.
Variant type: Deletion.
Coding change: c.2348-15_2348-11del on transcript NM_001330288.2 (MANE Select); 15 bases into the intron before coding-DNA position 2348 through 11 bases into the intron before coding-DNA position 2348, 5 bases deleted (TTCTC; older notation c.2348-15_2348-11delTTCTC).
Molecular consequence: intron variant.
Genome position (GRCh38, 1-based): chr12:56,170,219-56,170,223, GAGAA deleted on the plus strand (TTCTC on the coding strand, the reverse complement: SMARCC2 is on the minus strand). VCF-style (leftmost placement, unchanged base first): chr12-56170218-TGAGAA-T. GRCh37 (hg19) VCF-style: chr12-56564002-TGAGAA-T.
Other names: c.2255-15_2255-11del (NM_003075.5); c.2348-15_2348-11del (NM_139067.4, NM_001130420.3).
Identifiers: ClinVar variation 4532467 (VCV004532467.2).